The following is an entry in ClinVar:

ClinVar aggregate classification (germline): Pathogenic. Review status: criteria provided, multiple submitters, no conflicts (2 of 4 stars). 4 submissions from 4 submitters: Pathogenic (4). Last evaluated 2026-07-01.

Conditions:
Glycogen storage disease, type II (IOPD). Also called: CARDIOMEGALIA GLYCOGENICA DIFFUSA; GLYCOGENOSIS, GENERALIZED, CARDIAC FORM; GSD II; Glycogen storage disease type 2; Acid maltase deficiency disease; Aglucosidase alfa. Identifiers: Orphanet 365, MedGen C0017921, MONDO:0009290, OMIM 232300.

Allele frequency attached by ClinVar (database versions not stated): gnomAD exomes below 0.00001.
gnomAD v4.1: 2 of 1,612,372 alleles (0.00012%); highest among the groups gnomAD compares: South Asian, 0.0011%; no homozygotes.

Submissions (4):

Genomenon, Inc
Classification: Pathogenic for Glycogen storage disease, type II. Last evaluated: 2026-07-01. Review status: criteria provided, single submitter. Criteria: Genomenon Sequence Variant Interpretation Standards - Updated. Collection method: curation. Allele origin: germline. Affected: yes.
Comment: GAA c.2331+1G>A is a canonical splice variant affecting the donor splice site of intron 16. It is predicted to affect mRNA splicing, leading to a deleterious effect on the GAA protein. This variant has been observed in at least one proband with a GAA-related disorder (PMID:34734785;24158270). At least one splicing study has demonstrated that this variant results in aberrant splicing (PMID:24158270). It is absent or not present at a significant frequency in gnomAD. In conclusion, we classify GAA c.2331+1G>A as a pathogenic variant.

Labcorp Genetics (formerly Invitae), Labcorp
Classification: Pathogenic for Glycogen storage disease, type II. Last evaluated: 2025-07-20. Review status: criteria provided, single submitter. Criteria: Invitae Variant Classification Sherloc (09022015). Collection method: clinical testing. Allele origin: germline.
Comment: This sequence change affects a donor splice site in intron 16 of the GAA gene. It is expected to disrupt RNA splicing. Variants that disrupt the donor or acceptor splice site typically lead to a loss of protein function (PMID: 16199547), and loss-of-function variants in GAA are known to be pathogenic (PMID: 18425781, 22252923). This variant is not present in population databases (gnomAD no frequency). Disruption of this splice site has been observed in individuals with Pompe disease (PMID: 24158270, 35050212). ClinVar contains an entry for this variant (Variation ID: 2675789). Algorithms developed to predict the effect of sequence changes on RNA splicing suggest that this variant may disrupt the consensus splice site. For these reasons, this variant has been classified as Pathogenic.

Fulgent Genetics
Classification: Pathogenic for Glycogen storage disease, type II. Last evaluated: 2024-01-12. Review status: criteria provided, single submitter. Criteria: ACMG Guidelines, 2015. Collection method: clinical testing. Allele origin: germline.

Baylor Genetics
Classification: Pathogenic for Glycogen storage disease, type II. Last evaluated: 2022-08-06. Review status: criteria provided, single submitter. Criteria: ACMG Guidelines, 2015. Collection method: clinical testing. Allele origin: unknown.

Literature cited by the submitters: PubMed 34734785 (cited by Genomenon, Inc); PubMed 24158270 (cited by Genomenon, Inc and Labcorp Genetics (formerly Invitae), Labcorp); PubMed 16199547 (cited by Labcorp Genetics (formerly Invitae), Labcorp); PubMed 18425781 (cited by Labcorp Genetics (formerly Invitae), Labcorp); PubMed 22252923 (cited by Labcorp Genetics (formerly Invitae), Labcorp); PubMed 35050212 (cited by Labcorp Genetics (formerly Invitae), Labcorp).

NM_000152.5(GAA):c.2331+1G>A

Gene: GAA (alpha glucosidase; plus strand). Cytogenetic location: 17q25.3.
Variant type: single nucleotide variant.
Coding change: c.2331+1G>A on transcript NM_000152.5 (MANE Select); the canonical splice donor site of the intron after coding-DNA position 2331, G replaced by A.
Molecular consequence: splice donor variant.
Genome position (GRCh38, 1-based): chr17:80,117,110, G>A. VCF-style: chr17-80117110-G-A. GRCh37 (hg19) VCF-style: chr17-78090909-G-A.
Other names: c.2331+1G>A (NM_001406741.1, NM_001406742.1, NM_001079803.3 and 1 more transcripts).
Identifiers: ClinVar variation 2675789 (VCV002675789.4), dbSNP rs780655708, ClinGen allele CA401324957.